The following is an entry in ClinVar:

NM_000062.3(SERPING1):c.1127_1130dup (p.Val378fs)

Gene: SERPING1 (serpin family G member 1; plus strand). Cytogenetic location: 11q12.1.
Variant type: Duplication.
Coding change: c.1127_1130dup on transcript NM_000062.3 (MANE Select); coding-DNA positions 1127 to 1130, 4 bases duplicated (CTTC; older notation c.1127_1130dupCTTC).
Protein change: p.Val378fs; shifts the reading frame from valine 378.
Molecular consequence: frameshift variant.
Genome position (GRCh38, 1-based): chr11:57,611,814-57,611,817, CTTC duplicated; duplicating any 4 consecutive bases within chr11:57,611,813-57,611,817 gives the same sequence; the c. name uses the placement nearest the transcript's 3' end. VCF-style (leftmost placement, unchanged base first): chr11-57611812-C-CCCTT. GRCh37 (hg19) VCF-style: chr11-57379285-C-CCCTT.
Other names: c.1127_1130dup, p.Val378fs (NM_001032295.2); short protein forms V378fs.
Identifiers: ClinVar variation 3242573 (VCV003242573.2), dbSNP rs2495452487.

ClinVar aggregate classification (germline): Pathogenic (1 of 4 stars; one submission).

Conditions:
Hereditary angioedema type 1 (HAE1). Identifiers: Orphanet 100050, Orphanet 100051, Orphanet 91378, MedGen C2717906, MONDO:0015053, OMIM 106100.

Submission:

DNA-diagnostics Laboratory, Research Centre For Medical Genetics
Classification: Pathogenic for Hereditary angioedema type 1. Last evaluated: 2024-06-01. Review status: criteria provided, single submitter. Criteria: ACMG Guidelines, 2015. Collection method: research. Allele origin: germline. Inheritance: Autosomal dominant inheritance. Affected: yes. Observed: 10 variant alleles, 10 heterozygotes.
Comment: The c.1127_1130dup variant in SERPING1 meets ACMG/ClinGen SVI guidance criteria to be classified as pathogenic: PVS1_Str, PP4_Str, PM2_Sup